The following is an entry in ClinVar:

ClinVar aggregate classification (germline): Uncertain significance. Review status: criteria provided, multiple submitters, no conflicts (2 of 4 stars). 2 submissions from 2 submitters: Uncertain significance (2). Last evaluated 2025-12-09.

Conditions:
Loeys-Dietz syndrome 2 (LDS2). Also called: Marfan syndrome, type 2 (formerly); TGFBR2-Related Loeys-Dietz Syndrome; AORTIC ANEURYSM, FAMILIAL THORACIC 3; MARFAN SYNDROME, TYPE II; Marfan Syndrome type 2; Marfan like connective tissue disorder. Identifiers: Orphanet 284973, Orphanet 558, MedGen C2674574, MONDO:0012427, OMIM 610168.

Allele frequency attached by ClinVar (database versions not stated): gnomAD 0.00001; gnomAD exomes 0.00001; ExAC 0.00002; TOPMed 0.00004.
gnomAD v4.1: 44 of 1,613,700 alleles (0.0027%); highest among the groups gnomAD compares: Non-Finnish European, 0.0035%; no homozygotes.

Submissions (2):

Labcorp Genetics (formerly Invitae), Labcorp
Classification: Uncertain significance for Loeys-Dietz syndrome 2. Last evaluated: 2025-12-09. Review status: criteria provided, single submitter. Criteria: Invitae Variant Classification Sherloc (09022015). Collection method: clinical testing. Allele origin: germline.
Comment: This sequence change replaces arginine, which is basic and polar, with cysteine, which is neutral and slightly polar, at codon 650 of the TMPO protein (p.Arg650Cys). This variant is present in population databases (rs772424658, gnomAD 0.003%). This variant has not been reported in the literature in individuals affected with TMPO-related conditions. ClinVar contains an entry for this variant (Variation ID: 1307759). Invitae Evidence Modeling of protein sequence and biophysical properties (such as structural, functional, and spatial information, amino acid conservation, physicochemical variation, residue mobility, and thermodynamic stability) has been performed for this missense variant. However, the output from this modeling did not meet the statistical confidence thresholds required to predict the impact of this variant on TMPO protein function. In summary, the available evidence is currently insufficient to determine the role of this variant in disease. Therefore, it has been classified as a Variant of Uncertain Significance.

GeneDx
Classification: Uncertain significance. Last evaluated: 2019-08-07. Review status: criteria provided, single submitter. Criteria: GeneDx Variant Classification Process June 2021. Collection method: clinical testing. Allele origin: germline. Affected: yes.
Comment: Has not been previously published as pathogenic or benign to our knowledge; Not observed at a significant frequency in large population cohorts (Lek et al., 2016); In silico analysis, which includes protein predictors and evolutionary conservation, supports that this variant does not alter protein structure/function

NM_001032283.3(TMPO):c.565+2367C>T

Gene: TMPO (thymopoietin; plus strand). Cytogenetic location: 12q23.1.
Variant type: single nucleotide variant.
Coding change: c.565+2367C>T on transcript NM_001032283.3 (MANE Select); 2367 bases into the intron after coding-DNA position 565, C replaced by T.
Molecular consequence: intron variant. On other transcripts: missense variant (1).
Genome position (GRCh38, 1-based): chr12:98,534,205, C>T. VCF-style: chr12-98534205-C-T. GRCh37 (hg19) VCF-style: chr12-98927983-C-T.
Other names: c.565+2367C>T (NM_001032284.3, NM_001307975.2); c.1948C>T, p.Arg650Cys (NM_003276.2); short protein forms R650C.
Identifiers: ClinVar variation 1307759 (VCV001307759.5), dbSNP rs772424658, ClinGen allele CA6732519.